The following is an entry in ClinVar:

NM_001379500.1(COL18A1):c.2646G>C (p.Lys882Asn)

Gene: COL18A1 (collagen type XVIII alpha 1 chain; plus strand). Cytogenetic location: 21q22.3.
Variant type: single nucleotide variant.
Coding change: c.2646G>C on transcript NM_001379500.1 (MANE Select); coding-DNA position 2646, G replaced by C.
Protein change: p.Lys882Asn; replaces lysine 882 with asparagine.
Molecular consequence: missense variant.
Genome position (GRCh38, 1-based): chr21:45,497,624, G>C. VCF-style: chr21-45497624-G-C. GRCh37 (hg19) VCF-style: chr21-46917538-G-C.
Other names: c.3186G>C, p.Lys1062Asn (NM_030582.4); c.3891G>C, p.Lys1297Asn (NM_130444.3); short protein forms K1062N, K882N, K1297N.
Identifiers: ClinVar variation 2002220 (VCV002002220.4), dbSNP rs2517721892, ClinGen allele CA410498182.

ClinVar aggregate classification (germline): Uncertain significance (1 of 4 stars; one submission).

Submission:

Labcorp Genetics (formerly Invitae), Labcorp
Classification: Uncertain significance. Last evaluated: 2024-02-24. Review status: criteria provided, single submitter. Criteria: Invitae Variant Classification Sherloc (09022015). Collection method: clinical testing. Allele origin: germline.
Comment: This sequence change replaces lysine, which is basic and polar, with asparagine, which is neutral and polar, at codon 882 of the COL18A1 protein (p.Lys882Asn). This variant is not present in population databases (gnomAD no frequency). This variant has not been reported in the literature in individuals affected with COL18A1-related conditions. ClinVar contains an entry for this variant (Variation ID: 2002220). Experimental studies and prediction algorithms are not available or were not evaluated, and the functional significance of this variant is currently unknown. In summary, the available evidence is currently insufficient to determine the role of this variant in disease. Therefore, it has been classified as a Variant of Uncertain Significance.